The following is an entry in ClinVar:

NM_004055.5(CAPN5):c.416G>A (p.Arg139Gln)

Gene: CAPN5 (calpain 5; plus strand). Cytogenetic location: 11q13.5.
Variant type: single nucleotide variant.
Coding change: c.416G>A on transcript NM_004055.5 (MANE Select); coding-DNA position 416, G replaced by A.
Protein change: p.Arg139Gln; replaces arginine 139 with glutamine.
Molecular consequence: missense variant.
Genome position (GRCh38, 1-based): chr11:77,112,707, G>A. VCF-style: chr11-77112707-G-A. GRCh37 (hg19) VCF-style: chr11-76823753-G-A.
Other names: c.536G>A, p.Arg179Gln (NM_001425321.1); c.416G>A, p.Arg139Gln (NM_001425322.1); c.284G>A, p.Arg95Gln (NM_001425323.1); short protein forms R139Q, R179Q, R95Q.
Identifiers: ClinVar variation 3009021 (VCV003009021.3), dbSNP rs782166327, ClinGen allele CA6196432.

ClinVar aggregate classification (germline): Uncertain significance (1 of 4 stars; one submission).

Allele frequency attached by ClinVar (database versions not stated): ExAC 0.00001; gnomAD exomes 0.00001; gnomAD 0.00002; TOPMed 0.00003; 1000 Genomes Project 30x 0.00016.
gnomAD v4.1: 22 of 1,614,224 alleles (0.0014%); highest among the groups gnomAD compares: East Asian, 0.0089%; no homozygotes.

Submission:

Labcorp Genetics (formerly Invitae), Labcorp
Classification: Uncertain significance. Last evaluated: 2023-08-16. Review status: criteria provided, single submitter. Criteria: Invitae Variant Classification Sherloc (09022015). Collection method: clinical testing. Allele origin: germline.
Comment: In summary, the available evidence is currently insufficient to determine the role of this variant in disease. Therefore, it has been classified as a Variant of Uncertain Significance. Advanced modeling of protein sequence and biophysical properties (such as structural, functional, and spatial information, amino acid conservation, physicochemical variation, residue mobility, and thermodynamic stability) performed at Invitae indicates that this missense variant is not expected to disrupt CAPN5 protein function. This variant has not been reported in the literature in individuals affected with CAPN5-related conditions. This variant is present in population databases (rs782166327, gnomAD 0.02%). This sequence change replaces arginine, which is basic and polar, with glutamine, which is neutral and polar, at codon 139 of the CAPN5 protein (p.Arg139Gln).